The following is an entry in ClinVar:

ClinVar aggregate classification (germline): Likely benign. Review status: criteria provided, single submitter (1 of 4 stars). 2 submissions from 2 submitters: Likely benign (1). 1 of the submissions does not count toward it. Last evaluated 2025-05-15.

Conditions:
IBA57-related disorder. Also called: IBA57-related condition.
Hereditary spastic paraplegia 74. Also called: Spastic paraplegia 74, autosomal recessive. Identifiers: Orphanet 468661, MedGen C5568837, MONDO:0014644, OMIM 616451.
Multiple mitochondrial dysfunctions syndrome 3 (MMDS3). Identifiers: Orphanet 363424, MedGen C3809165, MONDO:0014132, OMIM 615330.

Allele frequency attached by ClinVar (database versions not stated): gnomAD 0.00006; gnomAD exomes 0.00011 and 0.00028; ExAC 0.00028; TOPMed 0.00033; 1000 Genomes Project 30x 0.00078; 1000 Genomes Project 0.00080.
gnomAD v4.1: 182 of 1,612,910 alleles (0.011%); highest among the groups gnomAD compares: East Asian, 0.37%; no homozygotes.

Submissions (2):

Labcorp Genetics (formerly Invitae), Labcorp
Classification: Likely benign for Multiple mitochondrial dysfunctions syndrome 3; Hereditary spastic paraplegia 74. Last evaluated: 2025-05-15. Review status: criteria provided, single submitter. Criteria: Invitae Variant Classification Sherloc (09022015). Collection method: clinical testing. Allele origin: germline.

PreventionGenetics, part of Exact Sciences
Classification: Likely benign for IBA57-related condition. Last evaluated: 2023-07-17. Review status: no assertion criteria provided. Collection method: clinical testing. Allele origin: germline. Not counted in ClinVar's aggregate classification.
Comment: This variant is classified as likely benign based on ACMG/AMP sequence variant interpretation guidelines (Richards et al. 2015 PMID: 25741868, with internal and published modifications).

NM_001010867.4(IBA57):c.947A>C (p.Asn316Thr)

Gene: IBA57 (iron-sulfur cluster assembly factor IBA57; plus strand). Cytogenetic location: 1q42.13.
Variant type: single nucleotide variant.
Coding change: c.947A>C on transcript NM_001010867.4 (MANE Select); coding-DNA position 947, A replaced by C.
Protein change: p.Asn316Thr; replaces asparagine 316 with threonine.
Molecular consequence: missense variant.
Genome position (GRCh38, 1-based): chr1:228,175,389, A>C. VCF-style: chr1-228175389-A-C. GRCh37 (hg19) VCF-style: chr1-228363090-A-C.
Other names: c.368A>C, p.Asn123Thr (NM_001310327.2); short protein forms N316T, N123T.
Identifiers: ClinVar variation 474298 (VCV000474298.12), dbSNP rs200319163, ClinGen allele CA1431296.
Genomic context (GRCh38, chr1:228,175,389, plus strand): 5'-GTGCCACGGTGCTGACTGCCTCAGGACAGACTGTGGGCAAGTTCAGGGCTGGCCAGGGCA[A>C]CGTGGGGCTGGCCCTGCTGTGGTCAGAGAAGATCAAGGGTCCTCTGCACATCAGAGCCTC-3'
Protein context (NP_001010867.1, residues 306-326): TVGKFRAGQG[Asn316Thr]VGLALLWSEK